The following is an entry in ClinVar:

NM_001195263.2(PDZD7):c.1348_1350del (p.Glu450del)

Gene: PDZD7 (PDZ domain containing 7; minus strand). Cytogenetic location: 10q24.31.
Variant type: Deletion.
Coding change: c.1348_1350del on transcript NM_001195263.2 (MANE Select); coding-DNA positions 1348 to 1350, 3 bases deleted (GAG; older notation c.1348_1350delGAG).
Protein change: p.Glu450del; deletes glutamic acid 450.
Molecular consequence: inframe deletion.
Genome position (GRCh38, 1-based): chr10:101,018,271-101,018,273, CTC deleted on the plus strand (GAG on the coding strand, the reverse complement: PDZD7 is on the minus strand); deleting any 3 consecutive bases within chr10:101,018,271-101,018,275 gives the same sequence; the c. name uses the placement nearest the transcript's 3' end. VCF-style (leftmost placement, unchanged base first): chr10-101018270-TCTC-T. GRCh37 (hg19) VCF-style: chr10-102778027-TCTC-T.
Other names: c.1348_1350delGAG (NM_024895.4, NM_001195263.1); c.1376_1378del, p.Gly459del (NM_001351044.2); c.1348_1350del, p.Glu450del (NM_024895.5); short protein forms E450del, G459del.
Identifiers: ClinVar variation 178694 (VCV000178694.37), dbSNP rs555444131, ClinGen allele CA182797.

ClinVar aggregate classification (germline): Conflicting classifications of pathogenicity. Review status: criteria provided, conflicting classifications (1 of 4 stars). 8 submissions from 8 submitters: Uncertain significance (1); Benign (1); Likely benign (4). 2 of the submissions do not count toward it. Last evaluated 2026-01-27.

Conditions:
Retinal dystrophy. Also called: Inherited retinal dystrophy. Identifiers: Orphanet 71862, MedGen C0854723, MeSH D058499, MONDO:0019118, HP:0000556.
PDZD7-related disorder. Also called: PDZD7-related disorders; PDZD7-related condition.

Submissions (8):

Labcorp Genetics (formerly Invitae), Labcorp
Classification: Benign. Last evaluated: 2026-01-27. Review status: criteria provided, single submitter. Criteria: Invitae Variant Classification Sherloc (09022015). Collection method: clinical testing. Allele origin: germline.

CeGaT Center for Human Genetics Tuebingen
Classification: Likely benign. Last evaluated: 2025-03-01. Review status: criteria provided, single submitter. Criteria: CeGaT Center For Human Genetics Tuebingen Variant Classification Criteria Version 2. Collection method: clinical testing. Allele origin: germline. Affected: yes. Observed: 1 variant allele.
Comment: PDZD7: PM4:Supporting, BS1

Blueprint Genetics
Classification: Likely benign. Last evaluated: 2024-11-27. Review status: criteria provided, single submitter. Criteria: ACMG Guidelines, 2015. Collection method: clinical testing. Allele origin: germline.

GeneDx
Classification: Likely benign. Last evaluated: 2020-07-20. Review status: criteria provided, single submitter. Criteria: GeneDx Variant Classification Process June 2021. Collection method: clinical testing. Allele origin: germline. Affected: yes.

Eurofins Ntd Llc (ga)
Classification: Uncertain significance. Last evaluated: 2014-06-12. Review status: criteria provided, single submitter. Criteria: EGL Classification Definitions 2015. Collection method: clinical testing. Allele origin: germline. Observed: 1 variant allele, 1 heterozygote.

Laboratory for Molecular Medicine, Mass General Brigham Personalized Medicine
Classification: Likely benign. Last evaluated: 2013-03-14. Review status: criteria provided, single submitter. Criteria: LMM Criteria. Collection method: clinical testing. Allele origin: germline. Observed: 1 variant allele.
Comment: Glu450del in exon 9 of PDZD7: This variant is not expected to have clinical sign ificance due to a lack of conservation across species, including mammals. Of no te, the marmoset has an in-frame deletion of the glutamate (Glu) at this positio n.

PreventionGenetics, part of Exact Sciences
Classification: Likely benign for PDZD7-related condition. Last evaluated: 2024-05-06. Review status: no assertion criteria provided. Collection method: clinical testing. Allele origin: germline. Not counted in ClinVar's aggregate classification.
Comment: This variant is classified as likely benign based on ACMG/AMP sequence variant interpretation guidelines (Richards et al. 2015 PMID: 25741868, with internal and published modifications).

Institute of Human Genetics, Univ. Regensburg, Univ. Regensburg
Classification: Uncertain significance for Retinal dystrophy. Last evaluated: 2022-01-01. Review status: no assertion criteria provided. Criteria: ACMG Guidelines, 2015. Collection method: clinical testing. Allele origin: germline. Affected: yes. Not counted in ClinVar's aggregate classification.